The following is an entry in ClinVar:

ClinVar aggregate classification (germline): Uncertain significance (0 of 4 stars; one submission).

Conditions:
PDGFRA-related disorder. Also called: PDGFRA-related condition.

Submission:

PreventionGenetics, part of Exact Sciences
Classification: Uncertain significance for PDGFRA-related condition. Last evaluated: 2024-06-08. Review status: no assertion criteria provided. Collection method: clinical testing. Allele origin: germline.
Comment: The PDGFRA c.584G>A variant is predicted to result in the amino acid substitution p.Gly195Glu. To our knowledge, this variant has not been reported in the literature or in a large population database, indicating this variant is rare. At this time, the clinical significance of this variant is uncertain due to the absence of conclusive functional and genetic evidence.

NM_006206.6(PDGFRA):c.584G>A (p.Gly195Glu)

Gene: PDGFRA (platelet derived growth factor receptor alpha; plus strand). Cytogenetic location: 4q12.
Variant type: single nucleotide variant.
Coding change: c.584G>A on transcript NM_006206.6 (MANE Select); coding-DNA position 584, G replaced by A.
Protein change: p.Gly195Glu; replaces glycine 195 with glutamic acid.
Molecular consequence: missense variant.
Genome position (GRCh38, 1-based): chr4:54,263,883, G>A. VCF-style: chr4-54263883-G-A. GRCh37 (hg19) VCF-style: chr4-55130050-G-A.
Other names: c.584G>A, p.Gly195Glu (NM_001347827.2, NM_001347829.2); c.659G>A, p.Gly220Glu (NM_001347828.2); c.623G>A, p.Gly208Glu (NM_001347830.2); short protein forms G195E, G208E, G220E.
Identifiers: ClinVar variation 3345398 (VCV003345398.1).